The following is an entry in ClinVar:

ClinVar aggregate classification (germline): Uncertain significance (1 of 4 stars; one submission).

Conditions:
Charcot-Marie-Tooth disease type 4. Also called: Charcot-Marie-Tooth, Type 4; Charcot-Marie-Tooth disease, type IV. Identifiers: Orphanet 64749, MedGen C4082197, MONDO:0018995.

Submission:

Labcorp Genetics (formerly Invitae), Labcorp
Classification: Uncertain significance for Charcot-Marie-Tooth disease type 4. Last evaluated: 2026-01-28. Review status: criteria provided, single submitter. Criteria: Invitae Variant Classification Sherloc (09022015). Collection method: clinical testing. Allele origin: germline.
Comment: This sequence change replaces aspartic acid, which is acidic and polar, with glutamic acid, which is acidic and polar, at codon 659 of the SBF2 protein (p.Asp659Glu). This variant is not present in population databases (gnomAD no frequency). This variant has not been reported in the literature in individuals affected with SBF2-related conditions. Invitae Evidence Modeling of protein sequence and biophysical properties (such as structural, functional, and spatial information, amino acid conservation, physicochemical variation, residue mobility, and thermodynamic stability) indicates that this missense variant is not expected to disrupt SBF2 protein function with a negative predictive value of 80%. In summary, the available evidence is currently insufficient to determine the role of this variant in disease. Therefore, it has been classified as a Variant of Uncertain Significance.

NM_030962.4(SBF2):c.1977C>G (p.Asp659Glu)

Genes: SBF2 (SET binding factor 2; minus strand), LOC101928008 (uncharacterized LOC101928008; plus strand). Cytogenetic location: 11p15.4.
Variant type: single nucleotide variant.
Coding change: c.1977C>G on transcript NM_030962.4 (MANE Select); coding-DNA position 1977, C replaced by G.
Protein change: p.Asp659Glu; replaces aspartic acid 659 with glutamic acid.
Molecular consequence: missense variant.
Genome position (GRCh38, 1-based): chr11:9,858,349, G>C on the plus strand (C>G on the coding strand, the complement: SBF2 is on the minus strand). VCF-style: chr11-9858349-G-C. GRCh37 (hg19) VCF-style: chr11-9879896-G-C.
Other names: c.1977C>G, p.Asp659Glu (NM_001386339.1); c.1848C>G, p.Asp616Glu (NM_001386342.1); c.2013C>G, p.Asp671Glu (NM_001424318.1, NM_001425069.1, NM_001425070.1); short protein forms D659E, D671E, D616E.
Identifiers: ClinVar variation 4707191 (VCV004707191.1).